The following is an entry in ClinVar:

ClinVar aggregate classification (germline): Uncertain significance (1 of 4 stars; one submission).

Allele frequency attached by ClinVar (database versions not stated): gnomAD exomes below 0.00001.
gnomAD v4.1: 1 of 1,612,968 alleles (0.000062%); highest among the groups gnomAD compares: Admixed American, 0.0017%; no homozygotes.

Submission:

Labcorp Genetics (formerly Invitae), Labcorp
Classification: Uncertain significance. Last evaluated: 2021-04-05. Review status: criteria provided, single submitter. Criteria: Invitae Variant Classification Sherloc (09022015). Collection method: clinical testing. Allele origin: germline.
Comment: This variant has not been reported in the literature in individuals with TONSL-related conditions. This variant is not present in population databases (ExAC no frequency). This sequence change replaces glutamine with arginine at codon 546 of the TONSL protein (p.Gln546Arg). The glutamine residue is highly conserved and there is a small physicochemical difference between glutamine and arginine. Algorithms developed to predict the effect of missense changes on protein structure and function output the following: SIFT: "Tolerated"; PolyPhen-2: "Benign"; Align-GVGD: "Class C0". The arginine amino acid residue is found in multiple mammalian species, suggesting that this missense change does not adversely affect protein function. These predictions have not been confirmed by published functional studies and their clinical significance is uncertain. In summary, the available evidence is currently insufficient to determine the role of this variant in disease. Therefore, it has been classified as a Variant of Uncertain Significance.

NM_013432.5(TONSL):c.1637A>G (p.Gln546Arg)

Genes: TONSL (tonsoku like, DNA repair protein; minus strand), TONSL-AS1 (TONSL antisense RNA 1; plus strand). Cytogenetic location: 8q24.3.
Variant type: single nucleotide variant.
Coding change: c.1637A>G on transcript NM_013432.5 (MANE Select); coding-DNA position 1637, A replaced by G.
Protein change: p.Gln546Arg; replaces glutamine 546 with arginine.
Molecular consequence: missense variant.
Genome position (GRCh38, 1-based): chr8:144,438,487, T>C on the plus strand (A>G on the coding strand, the complement: TONSL is on the minus strand). VCF-style: chr8-144438487-T-C. GRCh37 (hg19) VCF-style: chr8-145663870-T-C.
Other names: short protein forms Q546R.
Identifiers: ClinVar variation 1385020 (VCV001385020.8), dbSNP rs2129662516, ClinGen allele CA372664058.